The following is an entry in ClinVar:

NM_004260.4(RECQL4):c.1204T>C (p.Ser402Pro)

Gene: RECQL4 (RecQ like helicase 4; minus strand). Cytogenetic location: 8q24.3.
Variant type: single nucleotide variant.
Coding change: c.1204T>C on transcript NM_004260.4 (MANE Select); coding-DNA position 1204, T replaced by C.
Protein change: p.Ser402Pro; replaces serine 402 with proline.
Molecular consequence: missense variant. On other transcripts: non-coding transcript variant (3), intron variant (1).
Genome position (GRCh38, 1-based): chr8:144,515,818, A>G on the plus strand (T>C on the coding strand, the complement: RECQL4 is on the minus strand). VCF-style: chr8-144515818-A-G. GRCh37 (hg19) VCF-style: chr8-145741202-A-G.
Other names: c.1108T>C, p.Ser370Pro (NM_001413017.1, NM_001413020.1); c.1204T>C, p.Ser402Pro (NM_001413018.1, NM_001413019.1, NM_001413039.1 and 2 more transcripts); c.133T>C, p.Ser45Pro (NM_001413021.1, NM_001413022.1, NM_001413023.1 and 8 more transcripts); c.1075T>C, p.Ser359Pro (NM_001413025.1); c.71T>C, p.Val24Ala (NM_001413027.1, NM_001413041.1, NM_001413030.1 and 2 more transcripts); c.853T>C, p.Ser285Pro (NM_001413029.1); c.-210+170T>C (NM_001413043.1); short protein forms S285P, S359P, S370P, S402P, S45P, V24A.
Identifiers: ClinVar variation 4863186 (VCV004863186.1).

ClinVar aggregate classification (germline): Uncertain significance (1 of 4 stars; one submission).

Conditions:
Inborn genetic diseases. Identifiers: MedGen C0950123, MeSH D030342.

Submission:

Ambry Genetics
Classification: Uncertain significance for Inborn genetic diseases. Last evaluated: 2026-05-14. Review status: criteria provided, single submitter. Criteria: Ambry Variant Classification Scheme 2023. Collection method: clinical testing. Allele origin: germline.
Comment: The p.S402P variant (also known as c.1204T>C), located in coding exon 6 of the RECQL4 gene, results from a T to C substitution at nucleotide position 1204. The serine at codon 402 is replaced by proline, an amino acid with similar properties. This amino acid position is conserved. In addition, the in silico prediction for this alteration is inconclusive. Based on the available evidence, the clinical significance of this variant remains unclear.